The following is an entry in ClinVar:

ClinVar aggregate classification (germline): Uncertain significance. Review status: criteria provided, multiple submitters, no conflicts (2 of 4 stars). 2 submissions from 2 submitters: Uncertain significance (2). Last evaluated 2024-10-15.

Conditions:
Inborn genetic diseases. Identifiers: MedGen C0950123, MeSH D030342.
Giant axonal neuropathy 1 (GAN1). Also called: GIANT AXONAL NEUROPATHY 1, AUTOSOMAL RECESSIVE; GAN-Related Neurodegeneration. Identifiers: Orphanet 643, MedGen C1850386, MONDO:0009749, OMIM 256850.

gnomAD v4.1: 8 of 1,614,204 alleles (0.0005%); highest among the groups gnomAD compares: Non-Finnish European, 0.00068%; no homozygotes.

Submissions (2):

Labcorp Genetics (formerly Invitae), Labcorp
Classification: Uncertain significance for Giant axonal neuropathy 1. Last evaluated: 2024-10-15. Review status: criteria provided, single submitter. Criteria: Invitae Variant Classification Sherloc (09022015). Collection method: clinical testing. Allele origin: germline.
Comment: This sequence change replaces glutamine, which is neutral and polar, with histidine, which is basic and polar, at codon 586 of the GAN protein (p.Gln586His). This variant is not present in population databases (gnomAD no frequency). This variant has not been reported in the literature in individuals affected with GAN-related conditions. ClinVar contains an entry for this variant (Variation ID: 1948709). An algorithm developed to predict the effect of missense changes on protein structure and function (PolyPhen-2) suggests that this variant is likely to be disruptive. In summary, the available evidence is currently insufficient to determine the role of this variant in disease. Therefore, it has been classified as a Variant of Uncertain Significance.

Ambry Genetics
Classification: Uncertain significance for Inborn genetic diseases. Last evaluated: 2021-07-09. Review status: criteria provided, single submitter. Criteria: Ambry Variant Classification Scheme 2023. Collection method: clinical testing. Allele origin: germline.

NM_022041.4(GAN):c.1758G>C (p.Gln586His)

Gene: GAN (gigaxonin; plus strand). Cytogenetic location: 16q23.2.
Variant type: single nucleotide variant.
Coding change: c.1758G>C on transcript NM_022041.4 (MANE Select); coding-DNA position 1758, G replaced by C.
Protein change: p.Gln586His; replaces glutamine 586 with histidine.
Molecular consequence: missense variant.
Genome position (GRCh38, 1-based): chr16:81,377,560, G>C. VCF-style: chr16-81377560-G-C. GRCh37 (hg19) VCF-style: chr16-81411165-G-C.
Other names: c.1119G>C, p.Gln373His (NM_001377486.1); short protein forms Q586H, Q373H.
Identifiers: ClinVar variation 1948709 (VCV001948709.6), dbSNP rs754005744, ClinGen allele CA396892982.